The following is an entry in ClinVar:

NM_003803.4(MYOM1):c.1679A>G (p.Asn560Ser)

Gene: MYOM1 (myomesin 1; minus strand). Cytogenetic location: 18p11.31.
Variant type: single nucleotide variant.
Coding change: c.1679A>G on transcript NM_003803.4 (MANE Select); coding-DNA position 1679, A replaced by G.
Protein change: p.Asn560Ser; replaces asparagine 560 with serine.
Molecular consequence: missense variant.
Genome position (GRCh38, 1-based): chr18:3,151,858, T>C on the plus strand (A>G on the coding strand, the complement: MYOM1 is on the minus strand). VCF-style: chr18-3151858-T-C. GRCh37 (hg19) VCF-style: chr18-3151856-T-C.
Other names: c.1679A>G, p.Asn560Ser (NM_019856.2); short protein forms N560S.
Identifiers: ClinVar variation 936572 (VCV000936572.12), dbSNP rs746723356, ClinGen allele CA8874879.
Genomic context (GRCh38, chr18:3,151,858, plus strand): 5'-TAGGAACGACCTTCGATCAATCCAGTGACAGGAAAACGAGCAAACTTCACAGGTGTGTCA[T>C]TGCACTGCGACCAGCTATCTGTGCCCACCTCACACCTAAAGGAATGAGCGTGATTGACAA-3'
Protein context (NP_003794.3, residues 550-570): EVGTDSWSQC[Asn560Ser]DTPVKFARFP

ClinVar aggregate classification (germline): Uncertain significance. Review status: criteria provided, multiple submitters, no conflicts (2 of 4 stars). 2 submissions from 2 submitters: Uncertain significance (2). Last evaluated 2024-09-03.

Conditions:
Hypertrophic cardiomyopathy. Also called: HYPERTROPHIC MYOCARDIOPATHY. Identifiers: Orphanet 217569, MedGen C0007194, MeSH D002312, MONDO:0005045, HP:0001639.

Allele frequency attached by ClinVar (database versions not stated): ExAC 0.00001; gnomAD 0.00001; gnomAD exomes 0.00002; TOPMed 0.00002.
gnomAD v4.1: 38 of 1,613,218 alleles (0.0024%); highest among the groups gnomAD compares: Admixed American, 0.0033%; no homozygotes.

Submissions (2):

Ambry Genetics
Classification: Uncertain significance. Last evaluated: 2024-09-03. Review status: criteria provided, single submitter. Criteria: Ambry Variant Classification Scheme 2023. Collection method: clinical testing. Allele origin: germline.

Labcorp Genetics (formerly Invitae), Labcorp
Classification: Uncertain significance for Hypertrophic cardiomyopathy. Last evaluated: 2024-07-31. Review status: criteria provided, single submitter. Criteria: Invitae Variant Classification Sherloc (09022015). Collection method: clinical testing. Allele origin: germline.
Comment: This sequence change replaces asparagine, which is neutral and polar, with serine, which is neutral and polar, at codon 560 of the MYOM1 protein (p.Asn560Ser). This variant is present in population databases (rs746723356, gnomAD 0.003%). This variant has not been reported in the literature in individuals affected with MYOM1-related conditions. ClinVar contains an entry for this variant (Variation ID: 936572). Advanced modeling of protein sequence and biophysical properties (such as structural, functional, and spatial information, amino acid conservation, physicochemical variation, residue mobility, and thermodynamic stability) has been performed at Invitae for this missense variant, however the output from this modeling did not meet the statistical confidence thresholds required to predict the impact of this variant on MYOM1 protein function. In summary, the available evidence is currently insufficient to determine the role of this variant in disease. Therefore, it has been classified as a Variant of Uncertain Significance.